The following is an entry in ClinVar:

ClinVar aggregate classification (germline): Uncertain significance (1 of 4 stars; one submission).

gnomAD v4.1: 7 of 1,614,052 alleles (0.00043%); highest among the groups gnomAD compares: Admixed American, 0.0017%; no homozygotes.

Submission:

Labcorp Genetics (formerly Invitae), Labcorp
Classification: Uncertain significance. Last evaluated: 2024-03-01. Review status: criteria provided, single submitter. Criteria: Invitae Variant Classification Sherloc (09022015). Collection method: clinical testing. Allele origin: germline.
Comment: This sequence change replaces arginine, which is basic and polar, with tryptophan, which is neutral and slightly polar, at codon 384 of the FAM111A protein (p.Arg384Trp). This variant is present in population databases (no rsID available, gnomAD 0.003%). This variant has not been reported in the literature in individuals affected with FAM111A-related conditions. Advanced modeling of protein sequence and biophysical properties (such as structural, functional, and spatial information, amino acid conservation, physicochemical variation, residue mobility, and thermodynamic stability) performed at Invitae indicates that this missense variant is not expected to disrupt FAM111A protein function with a negative predictive value of 80%. In summary, the available evidence is currently insufficient to determine the role of this variant in disease. Therefore, it has been classified as a Variant of Uncertain Significance.

NM_001312909.2(FAM111A):c.1150C>T (p.Arg384Trp)

Gene: FAM111A (FAM111 trypsin like peptidase A; plus strand). Cytogenetic location: 11q12.1.
Variant type: single nucleotide variant.
Coding change: c.1150C>T on transcript NM_001312909.2 (MANE Select); coding-DNA position 1150, C replaced by T.
Protein change: p.Arg384Trp; replaces arginine 384 with tryptophan.
Molecular consequence: missense variant.
Genome position (GRCh38, 1-based): chr11:59,152,818, C>T. VCF-style: chr11-59152818-C-T. GRCh37 (hg19) VCF-style: chr11-58920291-C-T.
Other names: c.1150C>T, p.Arg384Trp (NM_001142519.3, NM_001142520.3, NM_001142521.3 and 29 more transcripts); short protein forms R384W.
Identifiers: ClinVar variation 3679770 (VCV003679770.2).